The following is an entry in ClinVar:

NM_001038603.3(MARVELD2):c.1580A>G (p.Glu527Gly)

Gene: MARVELD2 (MARVEL domain containing 2; plus strand). Cytogenetic location: 5q13.2.
Variant type: single nucleotide variant.
Coding change: c.1580A>G on transcript NM_001038603.3 (MANE Select); coding-DNA position 1580, A replaced by G.
Protein change: p.Glu527Gly; replaces glutamic acid 527 with glycine.
Molecular consequence: missense variant.
Genome position (GRCh38, 1-based): chr5:69,441,557, A>G. VCF-style: chr5-69441557-A-G. GRCh37 (hg19) VCF-style: chr5-68737384-A-G.
Other names: c.1580A>G (NM_001038603.2); c.1544A>G, p.Glu515Gly (NM_001244734.2); short protein forms E527G, E515G.
Identifiers: ClinVar variation 1930523 (VCV001930523.6), dbSNP rs1030817425, ClinGen allele CA120008856.

ClinVar aggregate classification (germline): Uncertain significance. Review status: criteria provided, multiple submitters, no conflicts (2 of 4 stars). 2 submissions from 2 submitters: Uncertain significance (2). Last evaluated 2025-06-07.

Conditions:
Inborn genetic diseases. Identifiers: MedGen C0950123, MeSH D030342.

Allele frequency attached by ClinVar (database versions not stated): TOPMed below 0.00001; gnomAD exomes 0.00001.
gnomAD v4.1: 4 of 1,609,130 alleles (0.00025%); highest among the groups gnomAD compares: Admixed American, 0.0033%; no homozygotes.

Submissions (2):

Ambry Genetics
Classification: Uncertain significance for Inborn genetic diseases. Last evaluated: 2025-06-07. Review status: criteria provided, single submitter. Criteria: Ambry Variant Classification Scheme 2023. Collection method: clinical testing. Allele origin: germline.

Labcorp Genetics (formerly Invitae), Labcorp
Classification: Uncertain significance. Last evaluated: 2022-04-15. Review status: criteria provided, single submitter. Criteria: Invitae Variant Classification Sherloc (09022015). Collection method: clinical testing. Allele origin: germline.
Comment: In summary, the available evidence is currently insufficient to determine the role of this variant in disease. Therefore, it has been classified as a Variant of Uncertain Significance. Algorithms developed to predict the effect of missense changes on protein structure and function are either unavailable or do not agree on the potential impact of this missense change (SIFT: "Deleterious"; PolyPhen-2: "Probably Damaging"; Align-GVGD: "Class C15"). This variant has not been reported in the literature in individuals affected with MARVELD2-related conditions. This variant is present in population databases (no rsID available, gnomAD 0.006%). This sequence change replaces glutamic acid, which is acidic and polar, with glycine, which is neutral and non-polar, at codon 527 of the MARVELD2 protein (p.Glu527Gly).